The following is an entry in ClinVar:

NM_000038.6(APC):c.630G>C (p.Met210Ile)

Gene: APC (APC regulator of Wnt signaling pathway; plus strand). Cytogenetic location: 5q22.2.
Variant type: single nucleotide variant.
Coding change: c.630G>C on transcript NM_000038.6 (MANE Select); coding-DNA position 630, G replaced by C.
Protein change: p.Met210Ile; replaces methionine 210 with isoleucine.
Molecular consequence: missense variant. On other transcripts: 5 prime UTR variant (4), non-coding transcript variant (2).
Genome position (GRCh38, 1-based): chr5:112,780,888, G>C. VCF-style: chr5-112780888-G-C. GRCh37 (hg19) VCF-style: chr5-112116585-G-C.
Other names: c.453G>C, p.Met151Ile (NM_001354905.2, NM_001407453.1, NM_001354900.2 and 1 more transcripts); c.630G>C, p.Met210Ile (NM_001407449.1, NM_001407450.1, NM_001407454.1 and 16 more transcripts); c.555G>C, p.Met185Ile (NM_001407451.1, NM_001354898.2, NM_001354904.2); c.660G>C, p.Met220Ile (NM_001127511.3, NM_001354897.2, NM_001354902.2 and 1 more transcripts); c.-406G>C (NM_001354906.2, NM_001407470.1, NM_001407471.1 and 1 more transcripts); short protein forms M220I, M151I, M185I, M210I.
Identifiers: ClinVar variation 2748507 (VCV002748507.3), dbSNP rs2149640954, ClinGen allele CA16022717.

ClinVar aggregate classification (germline): Uncertain significance (1 of 4 stars; one submission).

Conditions:
Familial adenomatous polyposis 1 (FAP1). Also called: FAMILIAL ADENOMATOUS POLYPOSIS 1, ATTENUATED; POLYPOSIS, ADENOMATOUS INTESTINAL. Identifiers: MedGen C2713442, MONDO:0021056, OMIM 175100. Disease mechanism: loss of function.

Submission:

Labcorp Genetics (formerly Invitae), Labcorp
Classification: Uncertain significance for Familial adenomatous polyposis 1. Last evaluated: 2023-08-01. Review status: criteria provided, single submitter. Criteria: Invitae Variant Classification Sherloc (09022015). Collection method: clinical testing. Allele origin: germline.
Comment: In summary, the available evidence is currently insufficient to determine the role of this variant in disease. Therefore, it has been classified as a Variant of Uncertain Significance. This sequence change replaces methionine, which is neutral and non-polar, with isoleucine, which is neutral and non-polar, at codon 210 of the APC protein (p.Met210Ile). This variant is not present in population databases (gnomAD no frequency). This variant has not been reported in the literature in individuals affected with APC-related conditions. Advanced modeling of protein sequence and biophysical properties (such as structural, functional, and spatial information, amino acid conservation, physicochemical variation, residue mobility, and thermodynamic stability) performed at Invitae indicates that this missense variant is not expected to disrupt APC protein function.